The following is an entry in ClinVar:

ClinVar aggregate classification (germline): Uncertain significance (1 of 4 stars; one submission).

Allele frequency attached by ClinVar (database versions not stated): gnomAD 0.00001; ExAC 0.00001; TOPMed 0.00001; gnomAD exomes 0.00002.
gnomAD v4.1: 36 of 1,613,968 alleles (0.0022%); highest among the groups gnomAD compares: Non-Finnish European, 0.003%; no homozygotes.

Submission:

Labcorp Genetics (formerly Invitae), Labcorp
Classification: Uncertain significance. Last evaluated: 2022-07-21. Review status: criteria provided, single submitter. Criteria: Invitae Variant Classification Sherloc (09022015). Collection method: clinical testing. Allele origin: germline.
Comment: In summary, the available evidence is currently insufficient to determine the role of this variant in disease. Therefore, it has been classified as a Variant of Uncertain Significance. Algorithms developed to predict the effect of missense changes on protein structure and function are either unavailable or do not agree on the potential impact of this missense change (SIFT: "Deleterious"; PolyPhen-2: "Benign"; Align-GVGD: "Class C0"). This variant has not been reported in the literature in individuals affected with RAB3GAP1-related conditions. This variant is present in population databases (rs747365496, gnomAD 0.0009%). This sequence change replaces leucine, which is neutral and non-polar, with arginine, which is basic and polar, at codon 561 of the RAB3GAP1 protein (p.Leu561Arg).

NM_012233.3(RAB3GAP1):c.1682T>G (p.Leu561Arg)

Gene: RAB3GAP1 (RAB3 GTPase activating protein catalytic subunit 1; plus strand). Cytogenetic location: 2q21.3.
Variant type: single nucleotide variant.
Coding change: c.1682T>G on transcript NM_012233.3 (MANE Select); coding-DNA position 1682, T replaced by G.
Protein change: p.Leu561Arg; replaces leucine 561 with arginine.
Molecular consequence: missense variant.
Genome position (GRCh38, 1-based): chr2:135,135,691, T>G. VCF-style: chr2-135135691-T-G. GRCh37 (hg19) VCF-style: chr2-135893261-T-G.
Other names: c.1682T>G, p.Leu561Arg (NM_001172435.2); short protein forms L561R.
Identifiers: ClinVar variation 2064632 (VCV002064632.4), dbSNP rs747365496, ClinGen allele CA1884903.